The following is an entry in ClinVar:

NM_000092.5(COL4A4):c.1067G>A (p.Gly356Asp)

Gene: COL4A4 (collagen type IV alpha 4 chain; minus strand). Cytogenetic location: 2q36.3.
Variant type: single nucleotide variant.
Coding change: c.1067G>A on transcript NM_000092.5 (MANE Select); coding-DNA position 1067, G replaced by A.
Protein change: p.Gly356Asp; replaces glycine 356 with aspartic acid.
Molecular consequence: missense variant.
Genome position (GRCh38, 1-based): chr2:227,099,652, C>T on the plus strand (G>A on the coding strand, the complement: COL4A4 is on the minus strand). VCF-style: chr2-227099652-C-T. GRCh37 (hg19) VCF-style: chr2-227964368-C-T.
Other names: short protein forms G356D.
Identifiers: ClinVar variation 3251825 (VCV003251825.1), dbSNP rs2475458577.

ClinVar aggregate classification (germline): Uncertain significance (1 of 4 stars; one submission).

gnomAD v4.1: 1 of 1,614,122 alleles (0.000062%); highest among the groups gnomAD compares: Non-Finnish European, 0.000085%; no homozygotes.

Submission:

Women's Health and Genetics/Laboratory Corporation of America, LabCorp
Classification: Uncertain significance. Last evaluated: 2024-04-22. Review status: criteria provided, single submitter. Criteria: LabCorp Variant Classification Summary - May 2015. Collection method: clinical testing. Allele origin: germline.
Comment: Variant summary: COL4A4 c.1067G>A (p.Gly356Asp) results in a non-conservative amino acid change in the encoded protein sequence. Four of five in-silico tools predict a damaging effect of the variant on protein function. The variant was absent in 249454 control chromosomes. The available data on variant occurrences in the general population are insufficient to allow any conclusion about variant significance. To our knowledge, no occurrence of c.1067G>A in individuals affected with Alport Syndrome, Autosomal Recessive and no experimental evidence demonstrating its impact on protein function have been reported. No submitters have cited clinical-significance assessments for this variant to ClinVar. Based on the evidence outlined above, the variant was classified as uncertain significance.